The following is an entry in ClinVar:

ClinVar aggregate classification (germline): Pathogenic (1 of 4 stars; one submission).

Conditions:
Charcot-Marie-Tooth disease type 2. Also called: Charcot-Marie-Tooth type 2. Identifiers: Orphanet 64746, MedGen C0270914, MONDO:0018993.

Submission:

Labcorp Genetics (formerly Invitae), Labcorp
Classification: Pathogenic for Charcot-Marie-Tooth disease type 2. Last evaluated: 2018-05-21. Review status: criteria provided, single submitter. Criteria: Invitae Variant Classification Sherloc (09022015). Collection method: clinical testing. Allele origin: unknown.
Comment: For these reasons, this variant has been classified as Pathogenic. Loss-of-function variants in LMNA are known to be pathogenic (PMID: 18585512, 18926329). The p.Arg298 amino acid residue in LMNA has been determined to be clinically significant (PMID:¬†18549403, 14607793, 17347251). This suggests that variants that disrupt this residue are likely to be causative of disease. This variant has not been reported in the literature in individuals with LMNA-related disease. This variant is a gross deletion of the genomic region encompassing exons 5-6 and part of exon 7 (c.810+31_1322del) of the LMNA gene. It is expected to disrupt RNA splicing and likely results in an absent or disrupted protein product.

Literature cited by the submitters: PubMed 18585512; PubMed 18926329.

NC_000001.10:g.(?_156104797)_(156106169_?)del

Gene: LMNA (lamin A/C; plus strand). Cytogenetic location: 1q22.
Variant type: Deletion.
Identifiers: ClinVar variation 3247864 (VCV003247864.1).